The following is an entry in ClinVar:

ClinVar aggregate classification (germline): Uncertain significance (1 of 4 stars; one submission).

gnomAD v4.1: 16 of 1,612,542 alleles (0.00099%); highest among the groups gnomAD compares: Non-Finnish European, 0.0013%; no homozygotes.

Submission:

Ambry Genetics
Classification: Uncertain significance. Last evaluated: 2024-10-02. Review status: criteria provided, single submitter. Criteria: Ambry Variant Classification Scheme 2023. Collection method: clinical testing. Allele origin: germline.
Comment: The p.A853D variant (also known as c.2558C>A), located in coding exon 11 of the WNK2 gene, results from a C to A substitution at nucleotide position 2558. The alanine at codon 853 is replaced by aspartic acid, an amino acid with dissimilar properties. This amino acid position is conserved. In addition, the in silico prediction for this alteration is inconclusive. Based on the available evidence, the clinical significance of this variant remains unclear.

NM_006648.4(WNK2):c.2558C>A (p.Ala853Asp)

Gene: WNK2 (WNK lysine deficient protein kinase 2; plus strand). Cytogenetic location: 9q22.31.
Variant type: single nucleotide variant.
Coding change: c.2558C>A on transcript NM_006648.4 (MANE Select); coding-DNA position 2558, C replaced by A.
Protein change: p.Ala853Asp; replaces alanine 853 with aspartic acid.
Molecular consequence: missense variant.
Genome position (GRCh38, 1-based): chr9:93,259,106, C>A. VCF-style: chr9-93259106-C-A. GRCh37 (hg19) VCF-style: chr9-96021388-C-A.
Other names: c.2558C>A, p.Ala853Asp (NM_001282394.3); short protein forms A853D.
Identifiers: ClinVar variation 3470033 (VCV003470033.1).